The following is an entry in ClinVar:

NM_006978.3(RNF113A):c.910A>C (p.Asn304His)

Gene: RNF113A (ring finger protein 113A; minus strand). Cytogenetic location: Xq24.
Variant type: single nucleotide variant.
Coding change: c.910A>C on transcript NM_006978.3 (MANE Select); coding-DNA position 910, A replaced by C.
Protein change: p.Asn304His; replaces asparagine 304 with histidine.
Molecular consequence: missense variant.
Genome position (GRCh38, 1-based): chrX:119,870,704, T>G on the plus strand (A>C on the coding strand, the complement: RNF113A is on the minus strand). VCF-style: chrX-119870704-T-G. GRCh37 (hg19) VCF-style: chrX-119004667-T-G.
Other names: short protein forms N304H.
Identifiers: ClinVar variation 3703557 (VCV003703557.2).

ClinVar aggregate classification (germline): Uncertain significance (1 of 4 stars; one submission).

Submission:

Labcorp Genetics (formerly Invitae), Labcorp
Classification: Uncertain significance. Last evaluated: 2025-01-02. Review status: criteria provided, single submitter. Criteria: Invitae Variant Classification Sherloc (09022015). Collection method: clinical testing. Allele origin: germline.
Comment: This sequence change replaces asparagine, which is neutral and polar, with histidine, which is basic and polar, at codon 304 of the RNF113A protein (p.Asn304His). This variant is not present in population databases (gnomAD no frequency). This variant has not been reported in the literature in individuals affected with RNF113A-related conditions. Invitae Evidence Modeling of protein sequence and biophysical properties (such as structural, functional, and spatial information, amino acid conservation, physicochemical variation, residue mobility, and thermodynamic stability) indicates that this missense variant is not expected to disrupt RNF113A protein function with a negative predictive value of 80%. In summary, the available evidence is currently insufficient to determine the role of this variant in disease. Therefore, it has been classified as a Variant of Uncertain Significance.